The following is an entry in ClinVar:

ClinVar aggregate classification (germline): Uncertain significance (1 of 4 stars; one submission).

Conditions:
RASopathy. Also called: rasopathies; Noonan spectrum disorder. Identifiers: Orphanet 536391, MedGen C5555857, MONDO:0021060.

gnomAD v4.1: 4 of 1,614,022 alleles (0.00025%); highest among the groups gnomAD compares: Middle Eastern, 0.016%; no homozygotes.

Submission:

Labcorp Genetics (formerly Invitae), Labcorp
Classification: Uncertain significance for RASopathy. Last evaluated: 2025-05-01. Review status: criteria provided, single submitter. Criteria: Invitae Variant Classification Sherloc (09022015). Collection method: clinical testing. Allele origin: germline.
Comment: This sequence change replaces glycine, which is neutral and non-polar, with arginine, which is basic and polar, at codon 449 of the CBL protein (p.Gly449Arg). This variant is not present in population databases (gnomAD no frequency). This variant has not been reported in the literature in individuals affected with CBL-related conditions. Invitae Evidence Modeling of protein sequence and biophysical properties (such as structural, functional, and spatial information, amino acid conservation, physicochemical variation, residue mobility, and thermodynamic stability) indicates that this missense variant is not expected to disrupt CBL protein function with a negative predictive value of 95%. In summary, the available evidence is currently insufficient to determine the role of this variant in disease. Therefore, it has been classified as a Variant of Uncertain Significance.

NM_005188.4(CBL):c.1345G>A (p.Gly449Arg)

Gene: CBL (Cbl proto-oncogene; plus strand). Cytogenetic location: 11q23.3.
Variant type: single nucleotide variant.
Coding change: c.1345G>A on transcript NM_005188.4 (MANE Select); coding-DNA position 1345, G replaced by A.
Protein change: p.Gly449Arg; replaces glycine 449 with arginine.
Molecular consequence: missense variant.
Genome position (GRCh38, 1-based): chr11:119,278,627, G>A. VCF-style: chr11-119278627-G-A. GRCh37 (hg19) VCF-style: chr11-119149337-G-A.
Other names: short protein forms G449R.
Identifiers: ClinVar variation 4702985 (VCV004702985.1).